The following is an entry in ClinVar:

ClinVar aggregate classification (germline): Uncertain significance (1 of 4 stars; one submission).

Submission:

GeneDx
Classification: Uncertain significance. Last evaluated: 2019-09-17. Review status: criteria provided, single submitter. Criteria: GeneDx Variant Classification Process June 2021. Collection method: clinical testing. Allele origin: germline. Affected: yes.
Comment: Not observed in large population cohorts (Lek et al., 2016); In silico analysis, which includes protein predictors and evolutionary conservation, supports that this variant does not alter protein structure/function; Has not been previously published as pathogenic or benign to our knowledge

NM_030632.3(ASXL3):c.3514T>A (p.Ser1172Thr)

Gene: ASXL3 (ASXL transcriptional regulator 3; plus strand). Cytogenetic location: 18q12.1.
Variant type: single nucleotide variant.
Coding change: c.3514T>A on transcript NM_030632.3 (MANE Select); coding-DNA position 3514, T replaced by A.
Protein change: p.Ser1172Thr; replaces serine 1172 with threonine.
Molecular consequence: missense variant.
Genome position (GRCh38, 1-based): chr18:33,743,362, T>A. VCF-style: chr18-33743362-T-A. GRCh37 (hg19) VCF-style: chr18-31323326-T-A.
Other names: short protein forms S1172T.
Identifiers: ClinVar variation 1303428 (VCV001303428.2), dbSNP rs2145424637, ClinGen allele CA402185506.